The following continues an entry in ClinVar:

NM_004415.4(DSP):c.88G>A (p.Val30Met)

ClinVar aggregate classification (germline): Conflicting classifications of pathogenicity. Uncertain significance (4); Benign (3); Likely benign (13).

Submissions 17 to 32 of 32:

Laboratory for Molecular Medicine, Mass General Brigham Personalized Medicine
Classification: Likely benign. Last evaluated: 2015-04-03. Review status: criteria provided, single submitter. Criteria: LMM Criteria. Collection method: clinical testing. Allele origin: germline. Observed: 8 variant alleles.
Comment: p.Val30Met in exon 1 of DSP: This variant is not expected to have clinical signi ficance due to a lack of conservation across species, including mammals. Of note , multiple mammals, including several primates, have a methionine (Met) at this position. This strongly argues against a disease causing role, though a modifyin g effect cannot be excluded. In addition, it has been identified in 0.6% (57/99 98) of South Asian chromosomes by the Exome Aggregation Consortium (ExAC; dbSNP rs12192998). Of note, this variant has been publ ished by several studies, though the data provided b y these studies is uninformative.

Eurofins Ntd Llc (ga)
Classification: Uncertain significance. Last evaluated: 2015-03-24. Review status: criteria provided, single submitter. Criteria: EGL Classification Definitions 2015. Collection method: clinical testing. Allele origin: germline. Observed: 4 variant alleles, 3 heterozygotes.

Stanford Center for Inherited Cardiovascular Disease, Stanford University
Classification: Uncertain significance. Last evaluated: 2014-02-06. Review status: criteria provided, single submitter. Criteria: ACMG Guidelines, 2015. Collection method: provider interpretation. Allele origin: germline.

Biesecker Lab/Clinical Genomics Section, National Institutes of Health
Classification: Likely benign for Cardiomyopathy, arrhythmogenic right ventricular. Last evaluated: 2013-06-24. Review status: criteria provided, single submitter. Criteria: Ng et al. (Circ Cardiovasc Genet. 2013). Collection method: research. Allele origin: unknown. Observed: 1 variant allele. Study: ClinSeq.
Comment: The study set was not selected for affection status in relation to any cancer. Pathogenicity categories were based on literature curation. See Pubmed ID:23861362 for details.

Medical sequencing

PreventionGenetics, part of Exact Sciences
Classification: Likely benign for DSP-related condition. Last evaluated: 2022-09-12. Review status: no assertion criteria provided. Collection method: clinical testing. Allele origin: germline. Not counted in ClinVar's aggregate classification.
Comment: This variant is classified as likely benign based on ACMG/AMP sequence variant interpretation guidelines (Richards et al. 2015 PMID: 25741868, with internal and published modifications).

Forensic Genetics Laboratory, Harris County Institute of Forensic Sciences
Classification: Pathogenic for Cardiomyopathy. Last evaluated: 2015-03-27. Review status: no assertion criteria provided. Collection method: clinical testing. Allele origin: unknown. Affected: yes. Observed: 1 heterozygote. Study: HCIFS-Postmortem genetic screening project. Not counted in ClinVar's aggregate classification.

CSER _CC_NCGL, University of Washington
Classification: Likely benign for Cardiomyopathy, arrhythmogenic right ventricular. Last evaluated: 2014-06-01. Review status: no assertion criteria provided. Collection method: research. Allele origin: germline. Inheritance: Autosomal dominant inheritance. Study: ESP 6500 variant annotation. Not counted in ClinVar's aggregate classification.
Comment: Variants classified for the Actionable exomic incidental findings in 6503 participants: challenges of variant classification manuscript

OMIM
Classification: Uncertain significance for RECLASSIFIED - VARIANT OF UNKNOWN SIGNIFICANCE. Last evaluated: 2006-09-15. Review status: no assertion criteria provided. Collection method: literature only. Allele origin: germline. Not counted in ClinVar's aggregate classification.

Clinical Genetics DNA and cytogenetics Diagnostics Lab, Erasmus MC, Erasmus Medical Center
Classification: Likely benign. Review status: no assertion criteria provided. Collection method: clinical testing. Allele origin: germline. Affected: yes. Study: VKGL Data-share Consensus. Not counted in ClinVar's aggregate classification.

Clinical Genetics, Academic Medical Center
Classification: Benign. Review status: no assertion criteria provided. Collection method: clinical testing. Allele origin: germline. Affected: yes. Study: VKGL Data-share Consensus. Not counted in ClinVar's aggregate classification.

Diagnostic Laboratory, Department of Genetics, University Medical Center Groningen
Classification: Likely benign. Review status: no assertion criteria provided. Collection method: clinical testing. Allele origin: germline. Affected: yes. Study: VKGL Data-share Consensus. Not counted in ClinVar's aggregate classification.

Genome Diagnostics Laboratory, University Medical Center Utrecht
Classification: Benign. Review status: no assertion criteria provided. Collection method: clinical testing. Allele origin: germline. Affected: yes. Study: VKGL Data-share Consensus. Not counted in ClinVar's aggregate classification.

Joint Genome Diagnostic Labs from Nijmegen and Maastricht, Radboudumc and MUMC+
Classification: Benign. Review status: no assertion criteria provided. Collection method: clinical testing. Allele origin: germline. Affected: yes. Study: VKGL Data-share Consensus. Not counted in ClinVar's aggregate classification.

Laboratory of Diagnostic Genome Analysis, Leiden University Medical Center (LUMC)
Classification: Likely benign. Review status: no assertion criteria provided. Collection method: clinical testing. Allele origin: germline. Affected: yes. Study: VKGL Data-share Consensus. Not counted in ClinVar's aggregate classification.

Centre for Mendelian Genomics, University Medical Centre Ljubljana
Classification: Likely pathogenic for Keratosis palmoplantaris striata 2. Last evaluated: 2016-01-01. Review status: flagged submission. Criteria: ACMG Guidelines, 2015. Collection method: clinical testing. Allele origin: unknown. Affected: yes. Not counted in ClinVar's aggregate classification.
Comment: This variant was classified as: Likely pathogenic.
ClinVar note: Reason: Outlier claim with insufficient supporting evidence

Centre for Mendelian Genomics, University Medical Centre Ljubljana
Classification: Likely pathogenic for Right ventricular cardiomyopathy. Last evaluated: 2013-12-13. Review status: flagged submission. Criteria: ACMG Guidelines, 2015. Collection method: clinical testing. Allele origin: unknown. Affected: yes. Not counted in ClinVar's aggregate classification.
ClinVar note: Reason: Outlier claim with insufficient supporting evidence

Literature cited by the submitters: PubMed 16917092 (cited by 5 submitters); PubMed 20152563 (cited by Women's Health and Genetics/Laboratory Corporation of America, LabCorp and Laboratory for Molecular Medicine, Mass General Brigham Personalized Medicine); PubMed 20129281 (cited by 4 submitters); PubMed 21636032 (cited by Women's Health and Genetics/Laboratory Corporation of America, LabCorp); PubMed 23299917 (cited by 3 submitters); PubMed 23381804 (cited by Women's Health and Genetics/Laboratory Corporation of America, LabCorp); PubMed 23137101 (cited by Women's Health and Genetics/Laboratory Corporation of America, LabCorp and Ambry Genetics); PubMed 24070718 (cited by Women's Health and Genetics/Laboratory Corporation of America, LabCorp); PubMed 23671136 (cited by Women's Health and Genetics/Laboratory Corporation of America, LabCorp); PubMed 25691752 (cited by Women's Health and Genetics/Laboratory Corporation of America, LabCorp); PubMed 23861362 (cited by Ambry Genetics); PubMed 26569459 (cited by Ambry Genetics); PubMed 26656175 (cited by Ambry Genetics); PubMed 27153395 (cited by Ambry Genetics); PubMed 27435932 (cited by Ambry Genetics and Forensic Genetics Laboratory, Harris County Institute of Forensic Sciences); PubMed 28473349 (cited by Ambry Genetics); Hamosh, A. Personal Communication. 2016. Baltimore, Md. (cited by OMIM).